The following is an entry in ClinVar:

NM_001134407.3(GRIN2A):c.3087T>A (p.Asn1029Lys)

Gene: GRIN2A (glutamate ionotropic receptor NMDA type subunit 2A; minus strand). Cytogenetic location: 16p13.2.
Variant type: single nucleotide variant.
Coding change: c.3087T>A on transcript NM_001134407.3 (MANE Select); coding-DNA position 3087, T replaced by A.
Protein change: p.Asn1029Lys; replaces asparagine 1029 with lysine.
Molecular consequence: missense variant.
Genome position (GRCh38, 1-based): chr16:9,764,457, A>T on the plus strand (T>A on the coding strand, the complement: GRIN2A is on the minus strand). VCF-style: chr16-9764457-A-T. GRCh37 (hg19) VCF-style: chr16-9858314-A-T.
Other names: c.3087T>A, p.Asn1029Lys (NM_000833.5, NM_001134408.2); short protein forms N1029K.
Identifiers: ClinVar variation 2664872 (VCV002664872.2), dbSNP rs780542669, ClinGen allele CA7896374.

ClinVar aggregate classification (germline): Uncertain significance. Review status: criteria provided, multiple submitters, no conflicts (2 of 4 stars). 2 submissions from 2 submitters: Uncertain significance (2). Last evaluated 2025-06-27.

Conditions:
Landau-Kleffner syndrome (FESD). Also called: APHASIA, ACQUIRED, WITH EPILEPSY; EPILEPSY, FOCAL, WITH SPEECH DISORDER AND WITH OR WITHOUT MENTAL RETARDATION. Identifiers: Orphanet 1945, Orphanet 725, Orphanet 98818, MedGen C0282512, MONDO:0009509, OMIM 245570.

Allele frequency attached by ClinVar (database versions not stated): TOPMed below 0.00001; gnomAD exomes 0.00001; ExAC 0.00002.
gnomAD v4.1: 4 of 1,614,032 alleles (0.00025%); highest among the groups gnomAD compares: African/African-American, 0.0013%; no homozygotes.

Submissions (2):

Labcorp Genetics (formerly Invitae), Labcorp
Classification: Uncertain significance for Landau-Kleffner syndrome. Last evaluated: 2025-06-27. Review status: criteria provided, single submitter. Criteria: Invitae Variant Classification Sherloc (09022015). Collection method: clinical testing. Allele origin: germline.
Comment: This sequence change replaces asparagine, which is neutral and polar, with lysine, which is basic and polar, at codon 1029 of the GRIN2A protein (p.Asn1029Lys). This variant is present in population databases (rs780542669, gnomAD 0.002%). This variant has not been reported in the literature in individuals affected with GRIN2A-related conditions. ClinVar contains an entry for this variant (Variation ID: 2664872). Invitae Evidence Modeling of protein sequence and biophysical properties (such as structural, functional, and spatial information, amino acid conservation, physicochemical variation, residue mobility, and thermodynamic stability) indicates that this missense variant is not expected to disrupt GRIN2A protein function with a negative predictive value of 95%. In summary, the available evidence is currently insufficient to determine the role of this variant in disease. Therefore, it has been classified as a Variant of Uncertain Significance.

Institute of Medical Genetics and Applied Genomics, University Hospital Tübingen
Classification: Uncertain significance for Landau-Kleffner syndrome. Last evaluated: 2023-12-12. Review status: criteria provided, single submitter. Criteria: ACMG Guidelines, 2015. Collection method: clinical testing. Allele origin: germline. Inheritance: Autosomal dominant inheritance. Affected: yes.